The following is an entry in ClinVar:

NM_005476.7(GNE):c.2080G>A (p.Val694Met)

Gene: GNE (glucosamine (UDP-N-acetyl)-2-epimerase/N-acetylmannosamine kinase; minus strand). Cytogenetic location: 9p13.3.
Variant type: single nucleotide variant.
Coding change: c.2080G>A on transcript NM_005476.7 (MANE Select); coding-DNA position 2080, G replaced by A.
Protein change: p.Val694Met; replaces valine 694 with methionine.
Molecular consequence: missense variant.
Genome position (GRCh38, 1-based): chr9:36,217,454, C>T on the plus strand (G>A on the coding strand, the complement: GNE is on the minus strand). VCF-style: chr9-36217454-C-T. GRCh37 (hg19) VCF-style: chr9-36217451-C-T.
Other names: c.2173G>A, p.Val725Met (NM_001128227.3); c.1858G>A, p.Val620Met (NM_001190383.3); c.1750G>A, p.Val584Met (NM_001190384.3); c.1903G>A, p.Val635Met (NM_001190388.2, NM_001374798.1); c.1927G>A, p.Val643Met (NM_001374797.1); short protein forms V620M, V694M, V725M, V584M, V643M, V635M.
Identifiers: ClinVar variation 2055286 (VCV002055286.3), dbSNP rs935868387, ClinGen allele CA192839289.
Genomic context (GRCh38, chr9:36,217,454, plus strand): 5'-GAACCATGCTGGCAGCACCCAGCAGGGCGGGGTCAACCAAATCCGAAACCACCACATCCA[C>T]GTCCTGCACGGAGGACAAGGCCTGCTGGCGAATGACGTCTTTGACAATGTGGATATAGTG-3'
Protein context (NP_005467.1, residues 684-704): RQQALSSVQD[Val694Met]DVVVSDLVDP

ClinVar aggregate classification (germline): Uncertain significance (1 of 4 stars; one submission).

Conditions:
GNE myopathy (NM). Also called: INCLUSION BODY MYOPATHY, HEREDITARY, AUTOSOMAL RECESSIVE; INCLUSION BODY MYOPATHY 2, AUTOSOMAL RECESSIVE; MYOPATHY, DISTAL, WITH OR WITHOUT RIMMED VACUOLES; NONAKA DISTAL MYOPATHY; IBM 2; Inclusion body myopathy autosomal recessive. Identifiers: Orphanet 602, MedGen C1853926, MONDO:0011603, OMIM 605820.
Sialuria. Also called: Sialic Acid Storage Disease; SIALURIA, FRENCH TYPE. Identifiers: Orphanet 3166, MedGen C0342853, MONDO:0010028, OMIM 269921.

Allele frequency attached by ClinVar (database versions not stated): gnomAD 0.00001; TOPMed 0.00002.
gnomAD v4.1: 32 of 1,614,022 alleles (0.002%); highest among the groups gnomAD compares: Non-Finnish European, 0.0024%; no homozygotes.

Submission:

Labcorp Genetics (formerly Invitae), Labcorp
Classification: Uncertain significance for Sialuria; GNE myopathy. Last evaluated: 2025-08-03. Review status: criteria provided, single submitter. Criteria: Invitae Variant Classification Sherloc (09022015). Collection method: clinical testing. Allele origin: germline.
Comment: This sequence change replaces valine, which is neutral and non-polar, with methionine, which is neutral and non-polar, at codon 725 of the GNE protein (p.Val725Met). This variant is present in population databases (no rsID available, gnomAD 0.004%). This variant has not been reported in the literature in individuals affected with GNE-related conditions. ClinVar contains an entry for this variant (Variation ID: 2055286). Invitae Evidence Modeling of protein sequence and biophysical properties (such as structural, functional, and spatial information, amino acid conservation, physicochemical variation, residue mobility, and thermodynamic stability) has been performed for this missense variant. However, the output from this modeling did not meet the statistical confidence thresholds required to predict the impact of this variant on GNE protein function. In summary, the available evidence is currently insufficient to determine the role of this variant in disease. Therefore, it has been classified as a Variant of Uncertain Significance.